The following is an entry in ClinVar:

ClinVar aggregate classification (germline): Likely benign. Review status: criteria provided, multiple submitters, no conflicts (2 of 4 stars). 2 submissions from 2 submitters: Likely benign (2). Last evaluated 2025-11-12.

Conditions:
Tuberous sclerosis 1 (TSC1). Identifiers: Orphanet 805, MedGen C1854465, MONDO:0008612, OMIM 191100.

Allele frequency attached by ClinVar (database versions not stated): gnomAD 0.00001 and 0.00002; TOPMed 0.00001; ExAC 0.00002; 1000 Genomes Project 30x 0.00016; 1000 Genomes Project 0.00020.

Submissions (2):

Labcorp Genetics (formerly Invitae), Labcorp
Classification: Likely benign for Tuberous sclerosis 1. Last evaluated: 2025-11-12. Review status: criteria provided, single submitter. Criteria: Invitae Variant Classification Sherloc (09022015). Collection method: clinical testing. Allele origin: germline.

GeneDx
Classification: Likely benign. Last evaluated: 2016-03-11. Review status: criteria provided, single submitter. Criteria: GeneDx Variant Classification (06012015). Collection method: clinical testing. Allele origin: germline. Affected: yes.
Comment: This variant is considered likely benign or benign based on one or more of the following criteria: it is a conservative change, it occurs at a poorly conserved position in the protein, it is predicted to be benign by multiple in silico algorithms, and/or has population frequency not consistent with disease.

NM_000368.5(TSC1):c.2391+17C>T

Gene: TSC1 (TSC complex subunit 1; minus strand). Cytogenetic location: 9q34.13.
Variant type: single nucleotide variant.
Coding change: c.2391+17C>T on transcript NM_000368.5 (MANE Select); 17 bases into the intron after coding-DNA position 2391, C replaced by T.
Molecular consequence: intron variant.
Genome position (GRCh38, 1-based): chr9:132,902,588, G>A on the plus strand (C>T on the coding strand, the complement: TSC1 is on the minus strand). VCF-style: chr9-132902588-G-A. GRCh37 (hg19) VCF-style: chr9-135777975-G-A.
Other names: c.2028+17C>T (NM_001362177.2); c.2238+17C>T (NM_001162427.2); c.2388+17C>T (NM_001162426.2).
Identifiers: ClinVar variation 384368 (VCV000384368.9), dbSNP rs572485175, ClinGen allele CA032280.